The following is an entry in ClinVar:

ClinVar aggregate classification (germline): Pathogenic. Review status: criteria provided, multiple submitters, no conflicts (2 of 4 stars). 6 submissions from 6 submitters: Pathogenic (5). 1 of the submissions does not count toward it. Last evaluated 2025-08-04.

Conditions:
G6PD-related disorders.
Anemia, nonspherocytic hemolytic, due to G6PD deficiency (CNSHA1). Also called: ANEMIA, CONGENITAL, NONSPHEROCYTIC HEMOLYTIC, 1; Class I glucose-6-phosphate dehydrogenase deficiency; Favism, susceptibility to; Hemolytic anemia due to G6PD deficiency. Identifiers: Orphanet 466026, MedGen C2720289, MONDO:0010480, OMIM 300908.
G6PD IERAPETRA.
G6PD deficiency. Also called: G6PD A-. Identifiers: MedGen C2939465, MONDO:0005775.

gnomAD v4.1: 2 of 1,207,535 alleles (0.00017%); no homozygotes.

Submissions (6):

First Genomix Gene Laboratory, Genetic Diagnostics Department
Classification: Pathogenic for Anemia, nonspherocytic hemolytic, due to G6PD deficiency. Last evaluated: 2025-08-04. Review status: criteria provided, single submitter. Criteria: ACMG Guidelines, 2015. Collection method: clinical testing. Allele origin: germline. Inheritance: X-linked inheritance. Affected: no. Observed: 1 variant allele.

Blueprint Genetics
Classification: Pathogenic for G6PD-related disorders. Last evaluated: 2024-11-11. Review status: criteria provided, single submitter. Criteria: ACMG Guidelines, 2015. Collection method: clinical testing. Allele origin: germline. Affected: yes. Observed: 3 variant alleles.

Women's Health and Genetics/Laboratory Corporation of America, LabCorp
Classification: Pathogenic for G6PD deficiency. Last evaluated: 2023-07-14. Review status: criteria provided, single submitter. Criteria: LabCorp Variant Classification Summary - May 2015. Collection method: clinical testing. Allele origin: germline.
Comment: Variant summary: G6PD c.1147C>T (p.Pro383Ser) results in a non-conservative amino acid change located in the C-terminal Glucose-6-phosphate dehydrogenase domain (IPR022675) of the encoded protein sequence. Five of five in-silico tools predict a damaging effect of the variant on protein function. The variant was absent in 170326 control chromosomes in gnomAD. c.1147C>T, also described as G6PD Ierapetra, has been reported in the literature in multiple individuals affected with Glucose 6 Phosphate Dehydrogenase Deficiency (example: Menounos_2000, Xu_1995). These data indicate that the variant is likely to be associated with disease. At least one publication reports experimental evidence evaluating an impact on protein function. The most pronounced variant effect results in <10% of normal activity of G6PD (example: Beutler_1992). The following publications have been ascertained in the context of this evaluation (PMID: 1611091, 10782016, 7803800). Three submitters have cited clinical-significance assessments for this variant to ClinVar after 2014 (Pathogenic: n=2; Other per OMIM). Based on the evidence outlined above, the variant was classified as pathogenic.

Dunham Lab, University of Washington
Classification: Pathogenic for Anemia, nonspherocytic hemolytic, due to G6PD deficiency. Last evaluated: 2022-08-12. Review status: criteria provided, single submitter. Criteria: Bayesian ACMG Guidelines, 2018. Collection method: curation. Allele origin: unknown. Affected: yes.
Comment: Variant found in unrelated hemizygotes with deficiency (PS4_M, PP4). Decreased activity in red blood cells (0-5%) (PS3). Predicted to be damaging by SIFT, and probably damaging by PolyPhen (PP3). Not found in gnomAD (PM2). Post_P 0.994 (odds of pathogenicity 1517, Prior_P 0.1).

Labcorp Genetics (formerly Invitae), Labcorp
Classification: Pathogenic for Anemia, nonspherocytic hemolytic, due to G6PD deficiency. Last evaluated: 2022-04-27. Review status: criteria provided, single submitter. Criteria: Invitae Variant Classification Sherloc (09022015). Collection method: clinical testing. Allele origin: germline.
Comment: ClinVar contains an entry for this variant (Variation ID: 10385). This missense change has been observed in individual(s) with glucose-6-phosphate dehydrogenase deficiency (PMID: 1611091, 10782016). This variant is also known as G6PD Ierapetra. Advanced modeling of protein sequence and biophysical properties (such as structural, functional, and spatial information, amino acid conservation, physicochemical variation, residue mobility, and thermodynamic stability) performed at Invitae indicates that this missense variant is expected to disrupt G6PD protein function. This sequence change replaces proline, which is neutral and non-polar, with serine, which is neutral and polar, at codon 353 of the G6PD protein (p.Pro353Ser). This variant is not present in population databases (gnomAD no frequency). For these reasons, this variant has been classified as Pathogenic.

OMIM
Classification: other for G6PD IERAPETRA. Last evaluated: 2017-05-24. Review status: no assertion criteria provided. Collection method: literature only. Allele origin: germline. Not counted in ClinVar's aggregate classification.

Literature cited by the submitters: PubMed 7803800 (cited by Women's Health and Genetics/Laboratory Corporation of America, LabCorp); PubMed 1611091 (cited by 3 submitters); PubMed 10782016 (cited by 3 submitters); PubMed 34620237 (cited by Dunham Lab, University of Washington); PubMed 6344088 (cited by OMIM).

NM_000402.4(G6PD):c.1147C>T (p.Pro383Ser)

Gene: G6PD (glucose-6-phosphate dehydrogenase; minus strand). Cytogenetic location: Xq28.
Variant type: single nucleotide variant.
Coding change: c.1147C>T on transcript NM_000402.4; coding-DNA position 1147, C replaced by T.
Protein change: p.Pro383Ser; replaces proline 383 with serine.
Molecular consequence: missense variant.
Genome position (GRCh38, 1-based): chrX:154,532,797, G>A on the plus strand (C>T on the coding strand, the complement: G6PD is on the minus strand). VCF-style: chrX-154532797-G-A. GRCh37 (hg19) VCF-style: chrX-153761012-G-A.
Other names: G6PD, PRO353SER; G6PD Ierapetra; c.1057C>T, p.Pro353Ser (NM_001042351.3, NM_001360016.2); short protein forms P353S, P383S.
Identifiers: ClinVar variation 10385 (VCV000010385.12), dbSNP rs137852333, ClinGen allele CA120986.